The following is an entry in ClinVar:

NM_145290.4(ADGRA3):c.1288A>T (p.Met430Leu)

Gene: ADGRA3 (adhesion G protein-coupled receptor A3; minus strand). Cytogenetic location: 4p15.2.
Variant type: single nucleotide variant.
Coding change: c.1288A>T on transcript NM_145290.4 (MANE Select); coding-DNA position 1288, A replaced by T.
Protein change: p.Met430Leu; replaces methionine 430 with leucine.
Molecular consequence: missense variant.
Genome position (GRCh38, 1-based): chr4:22,435,466, T>A on the plus strand (A>T on the coding strand, the complement: ADGRA3 is on the minus strand). VCF-style: chr4-22435466-T-A. GRCh37 (hg19) VCF-style: chr4-22437089-T-A.
Other names: c.1288A>T (NM_145290.2); short protein forms M430L.
Identifiers: ClinVar variation 933242 (VCV000933242.8), dbSNP rs1272053856, ClinGen allele CA356482002.

ClinVar aggregate classification (germline): Uncertain significance. Review status: criteria provided, multiple submitters, no conflicts (2 of 4 stars). 2 submissions from 2 submitters: Uncertain significance (2). Last evaluated 2025-10-23.

Allele frequency attached by ClinVar (database versions not stated): gnomAD exomes 0.00001; gnomAD 0.00002; TOPMed 0.00006.
gnomAD v4.1: 23 of 1,580,164 alleles (0.0015%); highest among the groups gnomAD compares: Admixed American, 0.01%; no homozygotes.

Submissions (2):

Labcorp Genetics (formerly Invitae), Labcorp
Classification: Uncertain significance. Last evaluated: 2025-10-23. Review status: criteria provided, single submitter. Criteria: Invitae Variant Classification Sherloc (09022015). Collection method: clinical testing. Allele origin: germline.
Comment: This sequence change replaces methionine, which is neutral and non-polar, with leucine, which is neutral and non-polar, at codon 430 of the ADGRA3 protein (p.Met430Leu). This variant is present in population databases (no rsID available, gnomAD 0.006%). This variant has not been reported in the literature in individuals affected with ADGRA3-related conditions. ClinVar contains an entry for this variant (Variation ID: 933242). An algorithm developed to predict the effect of missense changes on protein structure and function (PolyPhen-2) suggests that this variant is likely to be disruptive. In summary, the available evidence is currently insufficient to determine the role of this variant in disease. Therefore, it has been classified as a Variant of Uncertain Significance.

Ambry Genetics
Classification: Uncertain significance. Last evaluated: 2025-05-30. Review status: criteria provided, single submitter. Criteria: Ambry Variant Classification Scheme 2023. Collection method: clinical testing. Allele origin: germline.